The following is an entry in ClinVar:

NM_000384.3(APOB):c.8818G>A (p.Gly2940Arg)

Gene: APOB (apolipoprotein B; minus strand). Cytogenetic location: 2p24.1.
Variant type: single nucleotide variant.
Coding change: c.8818G>A on transcript NM_000384.3 (MANE Select); coding-DNA position 8818, G replaced by A.
Protein change: p.Gly2940Arg; replaces glycine 2940 with arginine.
Molecular consequence: missense variant.
Genome position (GRCh38, 1-based): chr2:21,008,050, C>T on the plus strand (G>A on the coding strand, the complement: APOB is on the minus strand). VCF-style: chr2-21008050-C-T. GRCh37 (hg19) VCF-style: chr2-21230922-C-T.
Other names: short protein forms G2940R.
Identifiers: ClinVar variation 5026988 (VCV005026988.1).
Genomic context (GRCh38, chr2:21,008,050, plus strand): 5'-ACAGTCCAAAGGAAGTGAGGGGTCCTTCTATGGTGAAACTAATTTGTGATTCATGTGTTC[C>T]CTCATCTGAGAATCTGGGGCAGGCCCATTTCCATGACCCTTTTCCAGAAGAAGTCCATGC-3'
Protein context (NP_000375.3, residues 2930-2950): KWACPRFSDE[Gly2940Arg]THESQISFTI

ClinVar aggregate classification (germline): Uncertain significance (1 of 4 stars; one submission).

Conditions:
Cardiovascular phenotype. Identifiers: MedGen CN230736.

gnomAD v4.1: 1 of 1,613,934 alleles (0.000062%); highest among the groups gnomAD compares: African/African-American, 0.0013%; no homozygotes.

Submission:

Ambry Genetics
Classification: Uncertain significance for Cardiovascular phenotype. Last evaluated: 2026-07-01. Review status: criteria provided, single submitter. Criteria: Ambry Variant Classification Scheme 2023. Collection method: clinical testing. Allele origin: germline.
Comment: The p.G2940R variant (also known as c.8818G>A), located in coding exon 26 of the APOB gene, results from a G to A substitution at nucleotide position 8818. The glycine at codon 2940 is replaced by arginine, an amino acid with dissimilar properties. This amino acid position is conserved. In addition, this alteration is predicted to be tolerated by in silico analysis. Based on the available evidence, the clinical significance of this variant remains unclear.